The following is an entry in ClinVar:

NM_003482.4(KMT2D):c.9730G>A (p.Glu3244Lys)

Gene: KMT2D (lysine methyltransferase 2D; minus strand). Cytogenetic location: 12q13.12.
Variant type: single nucleotide variant.
Coding change: c.9730G>A on transcript NM_003482.4 (MANE Select); coding-DNA position 9730, G replaced by A.
Protein change: p.Glu3244Lys; replaces glutamic acid 3244 with lysine.
Molecular consequence: missense variant.
Genome position (GRCh38, 1-based): chr12:49,037,626, C>T on the plus strand (G>A on the coding strand, the complement: KMT2D is on the minus strand). VCF-style: chr12-49037626-C-T. GRCh37 (hg19) VCF-style: chr12-49431409-C-T.
Other names: short protein forms E3244K.
Identifiers: ClinVar variation 2000733 (VCV002000733.4), dbSNP rs1258009682, ClinGen allele CA384736527.

ClinVar aggregate classification (germline): Uncertain significance (1 of 4 stars; one submission).

Conditions:
Kabuki syndrome. Also called: NIIKAWA-KUROKI SYNDROME; Kabuki make-up syndrome. Identifiers: Orphanet 2322, MedGen C0796004, MONDO:0016512.

Submission:

Labcorp Genetics (formerly Invitae), Labcorp
Classification: Uncertain significance for Kabuki syndrome. Last evaluated: 2025-01-06. Review status: criteria provided, single submitter. Criteria: Invitae Variant Classification Sherloc (09022015). Collection method: clinical testing. Allele origin: germline.
Comment: This sequence change replaces glutamic acid, which is acidic and polar, with lysine, which is basic and polar, at codon 3244 of the KMT2D protein (p.Glu3244Lys). This variant is not present in population databases (gnomAD no frequency). This variant has not been reported in the literature in individuals affected with KMT2D-related conditions. ClinVar contains an entry for this variant (Variation ID: 2000733). Invitae Evidence Modeling of protein sequence and biophysical properties (such as structural, functional, and spatial information, amino acid conservation, physicochemical variation, residue mobility, and thermodynamic stability) indicates that this missense variant is not expected to disrupt KMT2D protein function with a negative predictive value of 95%. In summary, the available evidence is currently insufficient to determine the role of this variant in disease. Therefore, it has been classified as a Variant of Uncertain Significance.